The following is an entry in ClinVar:

NM_024580.6(EFL1):c.276C>G (p.Asp92Glu)

Gene: EFL1 (elongation factor like GTPase 1; minus strand). Cytogenetic location: 15q25.2.
Variant type: single nucleotide variant.
Coding change: c.276C>G on transcript NM_024580.6 (MANE Select); coding-DNA position 276, C replaced by G.
Protein change: p.Asp92Glu; replaces aspartic acid 92 with glutamic acid.
Molecular consequence: missense variant. On other transcripts: 5 prime UTR variant (1), non-coding transcript variant (1).
Genome position (GRCh38, 1-based): chr15:82,241,372, G>C on the plus strand (C>G on the coding strand, the complement: EFL1 is on the minus strand). VCF-style: chr15-82241372-G-C. GRCh37 (hg19) VCF-style: chr15-82533713-G-C.
Other names: c.123C>G, p.Asp41Glu (NM_001040610.3); c.-514C>G (NM_001322844.2); c.276C>G, p.Asp92Glu (NM_001322845.2); short protein forms D92E, D41E.
Identifiers: ClinVar variation 1918833 (VCV001918833.2), dbSNP rs750437474, ClinGen allele CA7698319.
Genomic context (GRCh38, chr15:82,241,372, plus strand): 5'-TCCATCACAAATGCGAACAGCGGTTGATACTTCTGAGGAAAAGTCCACGTGTCCTGGAGA[G>C]TCTATCAGATTGATCAGGTACTCCTCATTACCTAAAATACAATTTGTAAACACACATTTT-3'
Protein context (NP_078856.4, residues 82-102): GNEEYLINLI[Asp92Glu]SPGHVDFSSE

ClinVar aggregate classification (germline): Uncertain significance (1 of 4 stars; one submission).

Allele frequency attached by ClinVar (database versions not stated): ExAC 0.00001; gnomAD exomes 0.00001; gnomAD 0.00002; TOPMed 0.00002.

Submission:

Labcorp Genetics (formerly Invitae), Labcorp
Classification: Uncertain significance. Last evaluated: 2022-02-03. Review status: criteria provided, single submitter. Criteria: Invitae Variant Classification Sherloc (09022015). Collection method: clinical testing. Allele origin: germline.
Comment: This sequence change replaces aspartic acid, which is acidic and polar, with glutamic acid, which is acidic and polar, at codon 92 of the EFL1 protein (p.Asp92Glu). This variant is present in population databases (rs750437474, gnomAD 0.0009%). This variant has not been reported in the literature in individuals affected with EFL1-related conditions. Algorithms developed to predict the effect of missense changes on protein structure and function are either unavailable or do not agree on the potential impact of this missense change (SIFT: "Deleterious"; PolyPhen-2: "Probably Damaging"; Align-GVGD: "Class C0"). In summary, the available evidence is currently insufficient to determine the role of this variant in disease. Therefore, it has been classified as a Variant of Uncertain Significance.